The following is an entry in ClinVar:

ClinVar aggregate classification (germline): Likely benign. Review status: criteria provided, multiple submitters, no conflicts (2 of 4 stars). 3 submissions from 3 submitters: Likely benign (3). Last evaluated 2025-08-06.

Conditions:
Gastrointestinal stromal tumor. Also called: Gastrointestinal stroma tumor; Gastrointestinal stromal tumor, somatic. Identifiers: Orphanet 44890, MedGen C0238198, MeSH D046152, MONDO:0011719, OMIM 606764, HP:0100723.
Pheochromocytoma/paraganglioma syndrome 3. Also called: SDHC-Related Hereditary Paraganglioma-Pheochromocytoma Syndrome (Paragangliomas 3); SDHC-Related Hereditary Paraganglioma-Pheochromocytoma Syndrome; GLOMUS TUMORS, FAMILIAL, 3; Paragangliomas 3. Identifiers: Orphanet 29072, MedGen C1854336, MONDO:0011544, OMIM 605373.

Allele frequency attached by ClinVar (database versions not stated): TOPMed below 0.00001; gnomAD 0.00003 and 0.00004; ExAC 0.00004.
gnomAD v4.1: 43 of 1,609,394 alleles (0.0027%); highest among the groups gnomAD compares: Non-Finnish European, 0.00017%; no homozygotes.

Submissions (3):

Labcorp Genetics (formerly Invitae), Labcorp
Classification: Likely benign for Pheochromocytoma/paraganglioma syndrome 3; Gastrointestinal stromal tumor. Last evaluated: 2025-08-06. Review status: criteria provided, single submitter. Criteria: Invitae Variant Classification Sherloc (09022015). Collection method: clinical testing. Allele origin: germline.

Myriad Genetics, Inc.
Classification: Likely benign for Pheochromocytoma/paraganglioma syndrome 3. Last evaluated: 2025-03-13. Review status: criteria provided, single submitter. Criteria: Myriad Autosomal Dominant, Autosomal Recessive and X-Linked Classification Criteria (2023). Collection method: clinical testing. Allele origin: unknown.
Comment: This variant is considered likely benign. This variant is intronic and is not expected to impact mRNA splicing.

Blueprint Genetics
Classification: Likely benign. Last evaluated: 2022-03-03. Review status: criteria provided, single submitter. Criteria: ACMG Guidelines, 2015. Collection method: clinical testing. Allele origin: germline.

NM_003001.5(SDHC):c.20+8C>T

Gene: SDHC (succinate dehydrogenase complex subunit C; plus strand). Cytogenetic location: 1q23.3.
Variant type: single nucleotide variant.
Coding change: c.20+8C>T on transcript NM_003001.5 (MANE Select); 8 bases into the intron after coding-DNA position 20, C replaced by T.
Molecular consequence: intron variant. On other transcripts: 5 prime UTR variant (1).
Genome position (GRCh38, 1-based): chr1:161,314,433, C>T. VCF-style: chr1-161314433-C-T. GRCh37 (hg19) VCF-style: chr1-161284223-C-T.
Other names: c.-533C>T (NM_001407119.1); c.-210+8C>T (NM_001407120.1); c.20+8C>T (NM_001407115.1, NM_001035511.3, NM_001035512.3 and 6 more transcripts).
Identifiers: ClinVar variation 1150906 (VCV001150906.12), dbSNP rs773661299, ClinGen allele CA046440.